The following is an entry in ClinVar:

NM_206933.4(USH2A):c.4440C>T (p.Ser1480=)

Gene: USH2A (usherin; minus strand). Cytogenetic location: 1q41.
Variant type: single nucleotide variant.
Coding change: c.4440C>T on transcript NM_206933.4 (MANE Select); coding-DNA position 4440, C replaced by T.
Protein change: p.Ser1480=; no amino-acid change (serine 1480 retained).
Molecular consequence: synonymous variant.
Genome position (GRCh38, 1-based): chr1:216,175,439, G>A on the plus strand (C>T on the coding strand, the complement: USH2A is on the minus strand). VCF-style: chr1-216175439-G-A. GRCh37 (hg19) VCF-style: chr1-216348781-G-A.
Other names: p.S1480S:AGC>AGT; c.4440C>T, p.Ser1480= (NM_007123.6).
Identifiers: ClinVar variation 48516 (VCV000048516.22), dbSNP rs111632670, ClinGen allele CA143482.

ClinVar aggregate classification (germline): Benign/Likely benign. Review status: criteria provided, multiple submitters, no conflicts (2 of 4 stars). 9 submissions from 7 submitters: Benign (6); Likely benign (2). 1 of the submissions does not count toward it. Last evaluated 2026-02-04.

Conditions:
Retinitis pigmentosa (RP). Identifiers: Orphanet 791, MedGen C0035334, MeSH D012174, MONDO:0019200, OMIM 268000. Inheritance: Autosomal dominant, autosomal recessive and X linked inheritance.
Usher syndrome type 2A. Also called: RETINAL DISEASE IN USHER SYNDROME TYPE IIA, MODIFIER OF; USHER SYNDROME, TYPE IIA. Identifiers: Orphanet 231178, Orphanet 886, MedGen C1848634, MONDO:0010169, OMIM 276901.
Retinitis pigmentosa 39 (RP39). Identifiers: Orphanet 791, MedGen C3151138, MONDO:0013436, OMIM 613809.

Allele frequency attached by ClinVar (database versions not stated): gnomAD 0.00984; TOPMed 0.01101; ESP Exome Variant Server 0.01123; 1000 Genomes Project 0.01338; 1000 Genomes Project 30x 0.01405.
gnomAD v4.1: 3,137 of 1,613,764 alleles (0.19%); highest among the groups gnomAD compares: African/African-American, 3.7%; 65 homozygotes.

Submissions (9):

Labcorp Genetics (formerly Invitae), Labcorp
Classification: Benign. Last evaluated: 2026-02-04. Review status: criteria provided, single submitter. Criteria: Invitae Variant Classification Sherloc (09022015). Collection method: clinical testing. Allele origin: germline.

Genome-Nilou Lab
Classification: Benign for Retinitis pigmentosa 39. Last evaluated: 2023-11-04. Review status: criteria provided, single submitter. Criteria: ACMG Guidelines, 2015. Collection method: clinical testing. Allele origin: germline. Affected: no.

Genome-Nilou Lab
Classification: Benign for Usher syndrome type 2A. Last evaluated: 2023-11-04. Review status: criteria provided, single submitter. Criteria: ACMG Guidelines, 2015. Collection method: clinical testing. Allele origin: germline. Affected: no.

Illumina Laboratory Services, Illumina
Classification: Likely benign for Retinitis pigmentosa. Last evaluated: 2018-01-13. Review status: criteria provided, single submitter. Criteria: ICSL Variant Classification Criteria 13 December 2019. Collection method: clinical testing. Allele origin: germline.
Comment: This variant was observed in the ICSL laboratory as part of a predisposition screen in an ostensibly healthy population. It had not been previously curated by ICSL or reported in the Human Gene Mutation Database (HGMD: prior to June 1st, 2018), and was therefore a candidate for classification through an automated scoring system. Utilizing variant allele frequency, disease prevalence and penetrance estimates, and inheritance mode, an automated score was calculated to assess if this variant is too frequent to cause the disease. Based on the score and internal cut-off values, a variant classified as likely benign is not then subjected to further curation. The score for this variant resulted in a classification of likely benign for this disease.

Illumina Laboratory Services, Illumina
Classification: Benign for Usher syndrome type 2A. Last evaluated: 2018-01-13. Review status: criteria provided, single submitter. Criteria: ICSL Variant Classification Criteria 13 December 2019. Collection method: clinical testing. Allele origin: germline.
Comment: This variant was observed in the ICSL laboratory as part of a predisposition screen in an ostensibly healthy population. It had not been previously curated by ICSL or reported in the Human Gene Mutation Database (HGMD: prior to June 1st, 2018), and was therefore a candidate for classification through an automated scoring system. Utilizing variant allele frequency, disease prevalence and penetrance estimates, and inheritance mode, an automated score was calculated to assess if this variant is too frequent to cause the disease. Based on the score and internal cut-off values, a variant classified as benign is not then subjected to further curation. The score for this variant resulted in a classification of benign for this disease.

Laboratory for Molecular Medicine, Mass General Brigham Personalized Medicine
Classification: Benign. Last evaluated: 2013-05-13. Review status: criteria provided, single submitter. Criteria: LMM Criteria. Collection method: clinical testing. Allele origin: germline. Observed: 12 variant alleles.
Comment: Ser1480Ser in Exon 21A of USH2A: This variant is not expected to have clinical s ignificance because it does not alter an amino acid residue, is not located with in the splice consensus sequence, and has been identified in 3.3% (146/4406) of African American chromosomes from a broad population by the NHLBI Exome Sequenci ng Project (dbSNP rs111632670).

GeneDx
Classification: Benign. Last evaluated: 2011-09-14. Review status: criteria provided, single submitter. Criteria: GeneDx Variant Classification (06012015). Collection method: clinical testing. Allele origin: germline. Affected: yes.
Comment: This variant is considered likely benign or benign based on one or more of the following criteria: it is a conservative change, it occurs at a poorly conserved position in the protein, it is predicted to be benign by multiple in silico algorithms, and/or has population frequency not consistent with disease.

Breakthrough Genomics
Classification: Likely benign. Review status: criteria provided, single submitter. Criteria: ACMG Guidelines, 2015. Collection method: not provided. Allele origin: germline. Inheritance: Autosomal recessive inheritance. Affected: yes.

Natera, Inc.
Classification: Benign for Usher syndrome type 2A. Last evaluated: 2020-09-16. Review status: no assertion criteria provided. Collection method: clinical testing. Allele origin: germline. Not counted in ClinVar's aggregate classification.